The following is an entry in ClinVar:

NM_017534.6(MYH2):c.3622G>A (p.Glu1208Lys)

Genes: MYHAS (myosin heavy chain gene cluster antisense RNA; plus strand), MYH2 (myosin heavy chain 2; minus strand). Cytogenetic location: 17p13.1.
Variant type: single nucleotide variant.
Coding change: c.3622G>A on transcript NM_017534.6 (MANE Select); coding-DNA position 3622, G replaced by A.
Protein change: p.Glu1208Lys; replaces glutamic acid 1208 with lysine.
Molecular consequence: missense variant.
Genome position (GRCh38, 1-based): chr17:10,528,812, C>T on the plus strand (G>A on the coding strand, the complement: MYH2 is on the minus strand). VCF-style: chr17-10528812-C-T. GRCh37 (hg19) VCF-style: chr17-10432129-C-T.
Other names: c.3622G>A, p.Glu1208Lys (NM_001100112.2); short protein forms E1208K.
Identifiers: ClinVar variation 946609 (VCV000946609.7), dbSNP rs546948489, ClinGen allele CA8390853.

ClinVar aggregate classification (germline): Uncertain significance (1 of 4 stars; one submission).

Conditions:
Myopathy, proximal, and ophthalmoplegia (CMYO6). Also called: MYOPATHY WITH CONGENITAL JOINT CONTRACTURES, OPHTHALMOPLEGIA, AND RIMMED VACUOLES; INCLUSION BODY MYOPATHY 3, AUTOSOMAL DOMINANT; CONGENITAL MYOPATHY 6 WITH OPHTHALMOPLEGIA. Identifiers: Orphanet 363677, Orphanet 79091, MedGen C1854106, MONDO:0011577, OMIM 605637.

Allele frequency attached by ClinVar (database versions not stated): gnomAD 0.00001 and 0.00003; TOPMed 0.00003; gnomAD exomes 0.00006 and 0.00013; ExAC 0.00012; 1000 Genomes Project 30x 0.00016; 1000 Genomes Project 0.00020.
gnomAD v4.1: 85 of 1,614,200 alleles (0.0053%); highest among the groups gnomAD compares: South Asian, 0.069%; no homozygotes.

Submission:

Labcorp Genetics (formerly Invitae), Labcorp
Classification: Uncertain significance for Myopathy, proximal, and ophthalmoplegia. Last evaluated: 2024-09-05. Review status: criteria provided, single submitter. Criteria: Invitae Variant Classification Sherloc (09022015). Collection method: clinical testing. Allele origin: germline.
Comment: This sequence change replaces glutamic acid, which is acidic and polar, with lysine, which is basic and polar, at codon 1208 of the MYH2 protein (p.Glu1208Lys). This variant is present in population databases (rs546948489, gnomAD 0.07%). This variant has not been reported in the literature in individuals affected with MYH2-related conditions. ClinVar contains an entry for this variant (Variation ID: 946609). Invitae Evidence Modeling of protein sequence and biophysical properties (such as structural, functional, and spatial information, amino acid conservation, physicochemical variation, residue mobility, and thermodynamic stability) indicates that this missense variant is not expected to disrupt MYH2 protein function with a negative predictive value of 80%. In summary, the available evidence is currently insufficient to determine the role of this variant in disease. Therefore, it has been classified as a Variant of Uncertain Significance.